The following is an entry in ClinVar:

NM_001003694.2(BRPF1):c.122A>C (p.His41Pro)

Gene: BRPF1 (bromodomain and PHD finger containing 1; plus strand). Cytogenetic location: 3p25.3.
Variant type: single nucleotide variant.
Coding change: c.122A>C on transcript NM_001003694.2 (MANE Select); coding-DNA position 122, A replaced by C.
Protein change: p.His41Pro; replaces histidine 41 with proline.
Molecular consequence: missense variant. On other transcripts: non-coding transcript variant (1).
Genome position (GRCh38, 1-based): chr3:9,734,262, A>C. VCF-style: chr3-9734262-A-C. GRCh37 (hg19) VCF-style: chr3-9775946-A-C.
Other names: c.122A>C, p.His41Pro (NM_001319049.2, NM_001319050.2, NM_001410704.1 and 1 more transcripts); short protein forms H41P.
Identifiers: ClinVar variation 3344629 (VCV003344629.1).

ClinVar aggregate classification (germline): Uncertain significance (0 of 4 stars; one submission).

Conditions:
BRPF1-related disorder. Also called: BRPF1-related condition.

Submission:

PreventionGenetics, part of Exact Sciences
Classification: Uncertain significance for BRPF1-related condition. Last evaluated: 2024-07-02. Review status: no assertion criteria provided. Collection method: clinical testing. Allele origin: germline.
Comment: The BRPF1 c.122A>C variant is predicted to result in the amino acid substitution p.His41Pro. To our knowledge, this variant has not been reported in the literature or in a large population database, indicating this variant is rare. Although we suspect that this variant may be pathogenic, at this time, the clinical significance of this variant is uncertain due to the absence of conclusive functional and genetic evidence.